The following is an entry in ClinVar:

ClinVar aggregate classification (germline): Likely benign. Review status: criteria provided, single submitter (1 of 4 stars). 2 submissions from 2 submitters: Likely benign (1). 1 of the submissions does not count toward it. Last evaluated 2024-01-18.

Conditions:
MKS1-related disorder. Also called: MKS1-related condition; MKS1-related disorders. Identifiers: MedGen CN239382.
Meckel-Gruber syndrome. Also called: DYSENCEPHALIA SPLANCHNOCYSTICA; GRUBER SYNDROME; Dysencephalia splachnocystica. Identifiers: Orphanet 564, MedGen C0265215, MONDO:0018921.
Joubert syndrome. Also called: JOUBERT-BOLTSHAUSER SYNDROME; Familial aplasia of the vermis. Identifiers: Orphanet 475, MedGen C5979921, MONDO:0018772.

Submissions (2):

Labcorp Genetics (formerly Invitae), Labcorp
Classification: Likely benign for Joubert syndrome; Meckel-Gruber syndrome. Last evaluated: 2024-01-18. Review status: criteria provided, single submitter. Criteria: Invitae Variant Classification Sherloc (09022015). Collection method: clinical testing. Allele origin: germline.

PreventionGenetics, part of Exact Sciences
Classification: Likely benign for MKS1-related condition. Last evaluated: 2021-10-06. Review status: no assertion criteria provided. Collection method: clinical testing. Allele origin: germline. Not counted in ClinVar's aggregate classification.
Comment: This variant is classified as likely benign based on ACMG/AMP sequence variant interpretation guidelines (Richards et al. 2015 PMID: 25741868, with internal and published modifications).

NM_017777.4(MKS1):c.1476T>C (p.Cys492=)

Gene: MKS1 (MKS transition zone complex subunit 1; minus strand). Cytogenetic location: 17q22.
Variant type: single nucleotide variant.
Coding change: c.1476T>C on transcript NM_017777.4 (MANE Select); coding-DNA position 1476, T replaced by C.
Protein change: p.Cys492=; no amino-acid change (cysteine 492 retained).
Molecular consequence: synonymous variant. On other transcripts: intron variant (2).
Genome position (GRCh38, 1-based): chr17:58,206,479, A>G on the plus strand (T>C on the coding strand, the complement: MKS1 is on the minus strand). VCF-style: chr17-58206479-A-G. GRCh37 (hg19) VCF-style: chr17-56283840-A-G.
Other names: c.867T>C, p.Cys289= (NM_001321268.2); c.1274-99T>C (NM_001330397.2); c.1408-99T>C (NM_001321269.2).
Identifiers: ClinVar variation 2935378 (VCV002935378.5), dbSNP rs137853105, ClinGen allele CA501324242.
Genomic context (GRCh38, chr17:58,206,479, plus strand): 5'-CCCCTCAGGGCTAAGGTGCCCTGAGGCAGAGGGCCAAGTCACTCACCTGGACTGCTGCAG[A>G]CAGTGCAAGCGGAAGGTGACAGTGCCTGTGGTCTCTGTGCGGAGTCCAAAGCGGCTCAGG-3'
Protein context (NP_060247.2, residues 482-502): TTGTVTFRLH[Cys492=]LQQSRAFMES